The following is an entry in ClinVar:

ClinVar aggregate classification (germline): Benign. Review status: criteria provided, multiple submitters, no conflicts (2 of 4 stars). 2 submissions from 2 submitters: Benign (2). Last evaluated 2018-01-13.

Conditions:
Short-rib thoracic dysplasia 6 with or without polydactyly (SRTD6). Also called: SHORT RIB-POLYDACTYLY SYNDROME, TYPE IIA; POLYDACTYLY WITH NEONATAL CHONDRODYSTROPHY, TYPE II; SHORT-RIB THORACIC DYSPLASIA 6 WITH POLYDACTYLY; SHORT-RIB THORACIC DYSPLASIA 6 WITHOUT POLYDACTYLY; Majewski Syndrome. Identifiers: MedGen C0024507, MONDO:0009894, OMIM 263520.

Allele frequency attached by ClinVar (database versions not stated): 1000 Genomes Project 30x 0.00390; gnomAD 0.00295 and 0.00356; TOPMed 0.00326; 1000 Genomes Project 0.00459; gnomAD exomes 0.00503.

Submissions (2):

Illumina Laboratory Services, Illumina
Classification: Benign for Short-rib thoracic dysplasia 6 with or without polydactyly. Last evaluated: 2018-01-13. Review status: criteria provided, single submitter. Criteria: ICSL Variant Classification Criteria 13 December 2019. Collection method: clinical testing. Allele origin: germline.
Comment: This variant was observed in the ICSL laboratory as part of a predisposition screen in an ostensibly healthy population. It had not been previously curated by ICSL or reported in the Human Gene Mutation Database (HGMD: prior to June 1st, 2018), and was therefore a candidate for classification through an automated scoring system. Utilizing variant allele frequency, disease prevalence and penetrance estimates, and inheritance mode, an automated score was calculated to assess if this variant is too frequent to cause the disease. Based on the score and internal cut-off values, a variant classified as benign is not then subjected to further curation. The score for this variant resulted in a classification of benign for this disease.

Breakthrough Genomics
Classification: Benign. Review status: criteria provided, single submitter. Criteria: ACMG Guidelines, 2015. Collection method: not provided. Allele origin: germline. Inheritance: Autosomal recessive inheritance. Affected: yes.

NM_012224.2(NEK1):c.-654C>T

Genes: NEK1 (NIMA related kinase 1; minus strand), LOC129993367 (ATAC-STARR-seq lymphoblastoid active region 22139; plus strand). Cytogenetic location: 4q33.
Variant type: single nucleotide variant.
Coding change: c.-654C>T on transcript NM_012224.2; 654 bases upstream of the start codon, C replaced by T.
Genome position (GRCh38, 1-based): chr4:169,612,625, G>A on the plus strand (C>T on the coding strand, the complement: NEK1 is on the minus strand). VCF-style: chr4-169612625-G-A. GRCh37 (hg19) VCF-style: chr4-170533776-G-A.
Identifiers: ClinVar variation 348136 (VCV000348136.8), dbSNP rs72694709, ClinGen allele CA10620461.
Genomic context (GRCh38, chr4:169,612,625, plus strand): 5'-AAAACCCTGGAGCGAATGCGGACTAAGGGAGAGCGGCCGGCGCGTCACCGGCGCTGGCGT[G>A]TGACGTCAGCGCGTGGAAGGCGGCACGCAGCGGAGGCGGCTGGGAAGGAGCAGTGAGGCT-3'